The following is an entry in ClinVar:

NM_020639.3(RIPK4):c.2330C>T (p.Thr777Met)

Gene: RIPK4 (receptor interacting serine/threonine kinase 4; minus strand). Cytogenetic location: 21q22.3.
Variant type: single nucleotide variant.
Coding change: c.2330C>T on transcript NM_020639.3 (MANE Select); coding-DNA position 2330, C replaced by T.
Protein change: p.Thr777Met; replaces threonine 777 with methionine.
Molecular consequence: missense variant.
Genome position (GRCh38, 1-based): chr21:41,740,863, G>A on the plus strand (C>T on the coding strand, the complement: RIPK4 is on the minus strand). VCF-style: chr21-41740863-G-A. GRCh37 (hg19) VCF-style: chr21-43161023-G-A.
Other names: short protein forms T777M.
Identifiers: ClinVar variation 740210 (VCV000740210.7), dbSNP rs147930789, ClinGen allele CA10035069.

ClinVar aggregate classification (germline): Conflicting classifications of pathogenicity. Review status: criteria provided, conflicting classifications (1 of 4 stars). 3 submissions from 3 submitters: Uncertain significance (1); Likely benign (1). 1 of the submissions does not count toward it. Last evaluated 2023-12-12.

Conditions:
Inborn genetic diseases. Identifiers: MedGen C0950123, MeSH D030342.
RIPK4-related disorder. Also called: RIPK4-related condition.

Allele frequency attached by ClinVar (database versions not stated): ESP Exome Variant Server 0.00008; gnomAD 0.00011 and 0.00031; TOPMed 0.00012; gnomAD exomes 0.00077; ExAC 0.00088; 1000 Genomes Project 30x 0.00172; 1000 Genomes Project 0.00180.
gnomAD v4.1: 1,018 of 1,609,736 alleles (0.063%); highest among the groups gnomAD compares: South Asian, 0.54%; 9 homozygotes.

Submissions (3):

Ambry Genetics
Classification: Uncertain significance for Inborn genetic diseases. Last evaluated: 2023-12-12. Review status: criteria provided, single submitter. Criteria: Ambry Variant Classification Scheme 2023. Collection method: clinical testing. Allele origin: germline.

Labcorp Genetics (formerly Invitae), Labcorp
Classification: Likely benign. Last evaluated: 2019-12-31. Review status: criteria provided, single submitter. Criteria: Invitae Variant Classification Sherloc (09022015). Collection method: clinical testing. Allele origin: germline.

PreventionGenetics, part of Exact Sciences
Classification: Likely benign for RIPK4-related condition. Last evaluated: 2020-10-15. Review status: no assertion criteria provided. Collection method: clinical testing. Allele origin: germline. Not counted in ClinVar's aggregate classification.
Comment: This variant is classified as likely benign based on ACMG/AMP sequence variant interpretation guidelines (Richards et al. 2015 PMID: 25741868, with internal and published modifications).